The following is an entry in ClinVar:

NM_001114753.3(ENG):c.613dup (p.Arg205fs)

Gene: ENG (endoglin; minus strand). Cytogenetic location: 9q34.11.
Variant type: Duplication.
Coding change: c.613dup on transcript NM_001114753.3 (MANE Select); coding-DNA position 613, one base duplicated (C; older notation c.613dupC).
Protein change: p.Arg205fs; shifts the reading frame from arginine 205.
Molecular consequence: frameshift variant.
Genome position (GRCh38, 1-based): chr9:127,825,771, G duplicated on the plus strand (C on the coding strand, the reverse complement: ENG is on the minus strand); the first of 2 consecutive G bases (chr9:127,825,771-127,825,772); duplicating either gives the same sequence. VCF-style (leftmost placement, unchanged base first): chr9-127825770-C-CG. GRCh37 (hg19) VCF-style: chr9-130588049-C-CG.
Other names: c.612dup, p.Arg205Profs (NM_000118.4, NM_001406715.1); c.67dup, p.Arg23fs (NM_001278138.2); short protein forms R205fs, R23fs.
Identifiers: ClinVar variation 2119231 (VCV002119231.4), dbSNP rs2539076056, ClinGen allele CA2580079684.

ClinVar aggregate classification (germline): Pathogenic (1 of 4 stars; one submission).

Conditions:
Hereditary hemorrhagic telangiectasia (HHT). Also called: ORW DISEASE; Osler Weber Rendu syndrome; OSLER-RENDU-WEBER DISEASE; Osler hemorrhagic telangiectasia syndrome. Identifiers: Orphanet 774, MedGen C0039445, MONDO:0019180. Disease mechanism: loss of function.

Submission:

Labcorp Genetics (formerly Invitae), Labcorp
Classification: Pathogenic for Hereditary hemorrhagic telangiectasia. Last evaluated: 2022-03-29. Review status: criteria provided, single submitter. Criteria: Invitae Variant Classification Sherloc (09022015). Collection method: clinical testing. Allele origin: germline.
Comment: For these reasons, this variant has been classified as Pathogenic. This variant has not been reported in the literature in individuals affected with ENG-related conditions. This variant is not present in population databases (gnomAD no frequency). This sequence change creates a premature translational stop signal (p.Arg205Profs*129) in the ENG gene. It is expected to result in an absent or disrupted protein product. Loss-of-function variants in ENG are known to be pathogenic (PMID: 15879500).

Literature cited by the submitters: PubMed 15879500.